The following is an entry in ClinVar:

ClinVar aggregate classification (germline): Likely pathogenic (1 of 4 stars; one submission).

Conditions:
Neurofibromatosis, type 1 (NF1). Also called: Neurofibromatosis, type I; VON RECKLINGHAUSEN DISEASE; NEUROFIBROMATOSIS, TYPE I, SOMATIC; Peripheral type neurofibromatosis. Identifiers: Orphanet 636, MedGen C0027831, MONDO:0018975, OMIM 162200. Disease mechanism: loss of function.

Submission:

Labcorp Genetics (formerly Invitae), Labcorp
Classification: Likely pathogenic for Neurofibromatosis, type 1. Last evaluated: 2021-09-29. Review status: criteria provided, single submitter. Criteria: Invitae Variant Classification Sherloc (09022015). Collection method: clinical testing. Allele origin: germline.
Comment: This variant has not been reported in the literature in individuals affected with NF1-related conditions. In summary, the currently available evidence indicates that the variant is pathogenic, but additional data are needed to prove that conclusively. Therefore, this variant has been classified as Likely Pathogenic. This variant disrupts the p.Thr1902 amino acid residue in NF1. Other variant(s) that disrupt this residue have been determined to be pathogenic (PMID: 25074460; Invitae). This suggests that this residue is clinically significant, and that variants that disrupt this residue are likely to be disease-causing. Advanced modeling of protein sequence and biophysical properties (such as structural, functional, and spatial information, amino acid conservation, physicochemical variation, residue mobility, and thermodynamic stability) performed at Invitae indicates that this missense variant is expected to disrupt NF1 protein function. This variant is not present in population databases (ExAC no frequency). This sequence change replaces threonine with serine at codon 1902 of the NF1 protein (p.Thr1902Ser). The threonine residue is moderately conserved and there is a small physicochemical difference between threonine and serine.

Literature cited by the submitters: PubMed 25074460.

NM_001042492.3(NF1):c.5767A>T (p.Thr1923Ser)

Gene: NF1 (neurofibromin 1; plus strand). Cytogenetic location: 17q11.2.
Variant type: single nucleotide variant.
Coding change: c.5767A>T on transcript NM_001042492.3 (MANE Select); coding-DNA position 5767, A replaced by T.
Protein change: p.Thr1923Ser; replaces threonine 1923 with serine.
Molecular consequence: missense variant.
Genome position (GRCh38, 1-based): chr17:31,330,453, A>T. VCF-style: chr17-31330453-A-T. GRCh37 (hg19) VCF-style: chr17-29657471-A-T.
Other names: c.5704A>T, p.Thr1902Ser (NM_000267.4); short protein forms T1902S, T1923S.
Identifiers: ClinVar variation 1475227 (VCV001475227.6), dbSNP rs2151544901, ClinGen allele CA399010430.